The following is an entry in ClinVar:

ClinVar aggregate classification (germline): Likely benign (1 of 4 stars; one submission).

Allele frequency attached by ClinVar (database versions not stated): gnomAD exomes below 0.00001; gnomAD 0.00001; ExAC 0.00002; 1000 Genomes Project 30x 0.00031.
gnomAD v4.1: 3 of 1,613,902 alleles (0.00019%); highest among the groups gnomAD compares: East Asian, 0.0067%; no homozygotes.

Submission:

CeGaT Center for Human Genetics Tuebingen
Classification: Likely benign. Last evaluated: 2023-04-01. Review status: criteria provided, single submitter. Criteria: CeGaT Center For Human Genetics Tuebingen Variant Classification Criteria Version 2. Collection method: clinical testing. Allele origin: germline. Affected: yes. Observed: 1 variant allele.
Comment: ZNF292: BP4, BP7

NM_015021.3(ZNF292):c.1626G>A (p.Gln542=)

Gene: ZNF292 (zinc finger protein 292; plus strand). Cytogenetic location: 6q14.3.
Variant type: single nucleotide variant.
Coding change: c.1626G>A on transcript NM_015021.3 (MANE Select); coding-DNA position 1626, G replaced by A.
Protein change: p.Gln542=; no amino-acid change (glutamine 542 retained).
Molecular consequence: synonymous variant.
Genome position (GRCh38, 1-based): chr6:87,255,255, G>A. VCF-style: chr6-87255255-G-A. GRCh37 (hg19) VCF-style: chr6-87964973-G-A.
Other names: c.1206G>A, p.Gln402= (NM_001351444.2).
Identifiers: ClinVar variation 2656737 (VCV002656737.24), dbSNP rs182042752, ClinGen allele CA3913872.